The following is an entry in ClinVar:

NM_006876.3(B4GAT1):c.534G>T (p.Leu178=)

Gene: B4GAT1 (beta-1,4-glucuronyltransferase 1; minus strand). Cytogenetic location: 11q13.2.
Variant type: single nucleotide variant.
Coding change: c.534G>T on transcript NM_006876.3 (MANE Select); coding-DNA position 534, G replaced by T.
Protein change: p.Leu178=; no amino-acid change (leucine 178 retained).
Molecular consequence: synonymous variant.
Genome position (GRCh38, 1-based): chr11:66,347,012, C>A on the plus strand (G>T on the coding strand, the complement: B4GAT1 is on the minus strand). VCF-style: chr11-66347012-C-A. GRCh37 (hg19) VCF-style: chr11-66114483-C-A.
Identifiers: ClinVar variation 3772582 (VCV003772582.13).
Genomic context (GRCh38, chr11:66,347,012, plus strand): 5'-ATTAATCCCGGGCTGGGCCACCCTGGCTAGCTTGTCAAAGACCTCCTGGCAGGACCGCAG[C>A]AGGGCAAACTCCCCCGGCTCCCGGGGGTCGGGCACGGCTGCCTCGTAACGCGAGGGGCAC-3'
Protein context (NP_006867.1, residues 168-188): PDPREPGEFA[Leu178=]LRSCQEVFDK

ClinVar aggregate classification (germline): Likely benign (1 of 4 stars; one submission).

Submission:

CeGaT Center for Human Genetics Tuebingen
Classification: Likely benign. Last evaluated: 2025-02-01. Review status: criteria provided, single submitter. Criteria: CeGaT Center For Human Genetics Tuebingen Variant Classification Criteria Version 2. Collection method: clinical testing. Allele origin: germline. Affected: yes. Observed: 1 variant allele.
Comment: B4GAT1: PM2:Supporting, BP4, BP7